The following is an entry in ClinVar:

ClinVar aggregate classification (germline): Uncertain significance (1 of 4 stars; one submission).

Conditions:
LAMA2-related muscular dystrophy (LAMA2-RD). Also called: Laminin alpha 2-related dystrophy. Identifiers: MedGen C5679788, MONDO:0100228.

Submission:

Myriad Genetics, Inc.
Classification: Uncertain significance for LAMA2-related muscular dystrophy. Last evaluated: 2025-09-17. Review status: criteria provided, single submitter. Criteria: Myriad Autosomal Dominant, Autosomal Recessive and X-Linked Classification Criteria (2023). Collection method: clinical testing. Allele origin: unknown.
Comment: NM_000426.3(LAMA2):c.6770_6778del9(P2257_T2259del) is an in-frame deletion classified as a variant of uncertain significance in the context of muscular dystrophy, LAMA2-related. P2257_T2259del has not been observed in cases with relevant disease. Relevant functional assessments of this variant are not available in the literature. P2257_T2259del has not been observed in referenced population frequency databases. In summary, there is insufficient evidence to classify NM_000426.3(LAMA2):c.6770_6778del9(P2257_T2259del) as pathogenic or benign. Please note: this variant was assessed in the context of healthy population screening.

NM_000426.4(LAMA2):c.6770_6778del (p.Pro2257_Thr2259del)

Gene: LAMA2 (laminin subunit alpha 2; plus strand). Cytogenetic location: 6q22.33.
Variant type: Deletion.
Coding change: c.6770_6778del on transcript NM_000426.4 (MANE Select); coding-DNA positions 6770 to 6778, 9 bases deleted (CCAGCACAC; older notation c.6770_6778delCCAGCACAC).
Protein change: p.Pro2257_Thr2259del.
Molecular consequence: inframe deletion.
Genome position (GRCh38, 1-based): chr6:129,456,397-129,456,405, CCAGCACAC deleted; deleting any 9 consecutive bases within chr6:129,456,396-129,456,405 gives the same sequence; the c. name uses the placement nearest the transcript's 3' end. VCF-style (leftmost placement, unchanged base first): chr6-129456395-GCCCAGCACA-G. GRCh37 (hg19) VCF-style: chr6-129777540-GCCCAGCACA-G.
Other names: c.6770_6778del, p.Pro2257_Thr2259del (NM_001079823.2).
Identifiers: ClinVar variation 5004156 (VCV005004156.1).